The following is an entry in ClinVar:

ClinVar aggregate classification (germline): Uncertain significance (1 of 4 stars; one submission).

Conditions:
Myoclonic dystonia 26. Identifiers: MedGen C4225341, MONDO:0014620, OMIM 616398.

gnomAD v4.1: 1 of 1,589,096 alleles (0.000063%); no homozygotes.

Submission:

Labcorp Genetics (formerly Invitae), Labcorp
Classification: Uncertain significance for Myoclonic dystonia 26. Last evaluated: 2023-08-23. Review status: criteria provided, single submitter. Criteria: Invitae Variant Classification Sherloc (09022015). Collection method: clinical testing. Allele origin: germline.
Comment: In summary, the available evidence is currently insufficient to determine the role of this variant in disease. Therefore, it has been classified as a Variant of Uncertain Significance. Advanced modeling of protein sequence and biophysical properties (such as structural, functional, and spatial information, amino acid conservation, physicochemical variation, residue mobility, and thermodynamic stability) performed at Invitae indicates that this missense variant is not expected to disrupt KCTD17 protein function. This variant has not been reported in the literature in individuals affected with KCTD17-related conditions. This variant is not present in population databases (gnomAD no frequency). This sequence change replaces glycine, which is neutral and non-polar, with arginine, which is basic and polar, at codon 74 of the KCTD17 protein (p.Gly74Arg).

NM_001282684.2(KCTD17):c.199G>C (p.Gly67Arg)

Gene: KCTD17 (potassium channel tetramerization domain containing 17; plus strand). Cytogenetic location: 22q12.3.
Variant type: single nucleotide variant.
Coding change: c.199G>C on transcript NM_001282684.2 (MANE Select); coding-DNA position 199, G replaced by C.
Protein change: p.Gly67Arg; replaces glycine 67 with arginine.
Molecular consequence: missense variant.
Genome position (GRCh38, 1-based): chr22:37,053,109, G>C. VCF-style: chr22-37053109-G-C. GRCh37 (hg19) VCF-style: chr22-37449149-G-C.
Other names: c.199G>C, p.Gly67Arg (NM_001282685.2, NM_001282686.2, NM_024681.4); short protein forms G67R.
Identifiers: ClinVar variation 2792111 (VCV002792111.3), dbSNP rs1924687064, ClinGen allele CA411413293.